The following is an entry in ClinVar:

ClinVar aggregate classification (germline): Uncertain significance. Review status: criteria provided, multiple submitters, no conflicts (2 of 4 stars). 2 submissions from 2 submitters: Uncertain significance (2). Last evaluated 2023-12-27.

Conditions:
Hereditary cancer-predisposing syndrome. Also called: Neoplastic Syndromes, Hereditary; Tumor predisposition; Hereditary Cancer Syndrome; Hereditary neoplastic syndrome. Identifiers: Orphanet 140162, MedGen C0027672, MeSH D009386, MONDO:0015356.
Familial adenomatous polyposis 1 (FAP1). Also called: FAMILIAL ADENOMATOUS POLYPOSIS 1, ATTENUATED; POLYPOSIS, ADENOMATOUS INTESTINAL. Identifiers: MedGen C2713442, MONDO:0021056, OMIM 175100. Disease mechanism: loss of function.

Submissions (2):

Ambry Genetics
Classification: Uncertain significance for Hereditary cancer-predisposing syndrome. Last evaluated: 2023-12-27. Review status: criteria provided, single submitter. Criteria: Ambry Variant Classification Scheme 2023. Collection method: clinical testing. Allele origin: germline.
Comment: The p.R2126K variant (also known as c.6377G>A), located in coding exon 15 of the APC gene, results from a G to A substitution at nucleotide position 6377. The arginine at codon 2126 is replaced by lysine, an amino acid with highly similar properties. This amino acid position is highly conserved in available vertebrate species. In addition, in silico predictors for this gene do not accurately predict pathogenicity. Since supporting evidence is limited at this time, the clinical significance of this alteration remains unclear.

Labcorp Genetics (formerly Invitae), Labcorp
Classification: Uncertain significance for Familial adenomatous polyposis 1. Last evaluated: 2023-11-14. Review status: criteria provided, single submitter. Criteria: Invitae Variant Classification Sherloc (09022015). Collection method: clinical testing. Allele origin: germline.
Comment: This sequence change replaces arginine, which is basic and polar, with lysine, which is basic and polar, at codon 2126 of the APC protein (p.Arg2126Lys). This variant is not present in population databases (gnomAD no frequency). This variant has not been reported in the literature in individuals affected with APC-related conditions. ClinVar contains an entry for this variant (Variation ID: 1753139). Advanced modeling of protein sequence and biophysical properties (such as structural, functional, and spatial information, amino acid conservation, physicochemical variation, residue mobility, and thermodynamic stability) performed at Invitae indicates that this missense variant is not expected to disrupt APC protein function with a negative predictive value of 95%. In summary, the available evidence is currently insufficient to determine the role of this variant in disease. Therefore, it has been classified as a Variant of Uncertain Significance.

NM_000038.6(APC):c.6377G>A (p.Arg2126Lys)

Gene: APC (APC regulator of Wnt signaling pathway; plus strand). Cytogenetic location: 5q22.2.
Variant type: single nucleotide variant.
Coding change: c.6377G>A on transcript NM_000038.6 (MANE Select); coding-DNA position 6377, G replaced by A.
Protein change: p.Arg2126Lys; replaces arginine 2126 with lysine.
Molecular consequence: missense variant.
Genome position (GRCh38, 1-based): chr5:112,841,971, G>A. VCF-style: chr5-112841971-G-A. GRCh37 (hg19) VCF-style: chr5-112177668-G-A.
Other names: c.6377G>A, p.Arg2126Lys (NM_001127510.3, NM_001354895.2, NM_001407450.1); c.6323G>A, p.Arg2108Lys (NM_001127511.3); c.6431G>A, p.Arg2144Lys (NM_001354896.2, NM_001407447.1, NM_001407448.1 and 1 more transcripts); c.6407G>A, p.Arg2136Lys (NM_001354897.2); c.6302G>A, p.Arg2101Lys (NM_001354898.2); c.6293G>A, p.Arg2098Lys (NM_001354899.2); c.6254G>A, p.Arg2085Lys (NM_001354900.2); c.6200G>A, p.Arg2067Lys (NM_001354901.2, NM_001407453.1); and 11 more; short protein forms R2000K, R2067K, R2119K, R1843K, R2116K, R2126K, R2136K, R1742K.
Identifiers: ClinVar variation 1753139 (VCV001753139.5), dbSNP rs2149963516, ClinGen allele CA16035293.